The following is an entry in ClinVar:

NM_201384.3(PLEC):c.4981G>A (p.Glu1661Lys)

Gene: PLEC (plectin; minus strand). Cytogenetic location: 8q24.3.
Variant type: single nucleotide variant.
Coding change: c.4981G>A on transcript NM_201384.3 (MANE Select); coding-DNA position 4981, G replaced by A.
Protein change: p.Glu1661Lys; replaces glutamic acid 1661 with lysine.
Molecular consequence: missense variant.
Genome position (GRCh38, 1-based): chr8:143,924,948, C>T on the plus strand (G>A on the coding strand, the complement: PLEC is on the minus strand). VCF-style: chr8-143924948-C-T. GRCh37 (hg19) VCF-style: chr8-144999116-C-T.
Other names: c.5062G>A, p.Glu1688Lys (NM_000445.5); c.4939G>A, p.Glu1647Lys (NM_201378.4); c.4915G>A, p.Glu1639Lys (NM_201379.3); c.5392G>A, p.Glu1798Lys (NM_201380.4); c.4885G>A, p.Glu1629Lys (NM_201381.3); c.4981G>A, p.Glu1661Lys (NM_201382.4); c.4993G>A, p.Glu1665Lys (NM_201383.3); c.5062G>A (NM_000445.3); short protein forms E1629K, E1661K, E1798K, E1639K, E1647K, E1665K, E1688K.
Identifiers: ClinVar variation 1936445 (VCV001936445.9), dbSNP rs782564689, ClinGen allele CA4926475.

ClinVar aggregate classification (germline): Uncertain significance. Review status: criteria provided, multiple submitters, no conflicts (2 of 4 stars). 3 submissions from 3 submitters: Uncertain significance (3). Last evaluated 2024-05-24.

Conditions:
Inborn genetic diseases. Identifiers: MedGen C0950123, MeSH D030342.
Epidermolysis bullosa simplex with nail dystrophy (EBS5D). Identifiers: MedGen C4225309, MONDO:0014661, OMIM 616487.
Epidermolysis bullosa simplex 5B, with muscular dystrophy (EBS5B). Also called: Epidermolysis bullosa simplex with muscular dystrophy; EPIDERMOLYSIS BULLOSA SIMPLEX AND LIMB-GIRDLE MUSCULAR DYSTROPHY. Identifiers: Orphanet 257, MedGen C2931072, MONDO:0009181, OMIM 226670.
Epidermolysis bullosa simplex, Ogna type (EBS5A). Also called: EPIDERMOLYSIS BULLOSA SIMPLEX 5A, OGNA TYPE; Pidermolysis bullosa simplex 5A, Ogna type. Identifiers: Orphanet 79401, MedGen C0432317, MONDO:0007555, OMIM 131950.
Epidermolysis bullosa simplex 5C, with pyloric atresia (EBS5C). Also called: PLEC-Related Epidermolysis Bullosa with Pyloric Atresia; Epidermolysis bullosa simplex with pyloric atresia; PLEC1-Related Epidermolysis Bullosa with Pyloric Atresia. Identifiers: Orphanet 158684, MedGen C2677349, MONDO:0012807, OMIM 612138.
Autosomal recessive limb-girdle muscular dystrophy type 2Q (LGMDR17). Also called: MUSCULAR DYSTROPHY, LIMB-GIRDLE, AUTOSOMAL RECESSIVE 17. Identifiers: Orphanet 254361, MedGen C3150989, MONDO:0013390, OMIM 613723.

Allele frequency attached by ClinVar (database versions not stated): TOPMed 0.00002; gnomAD exomes 0.00004; gnomAD 0.00005; ExAC 0.00009.
gnomAD v4.1: 67 of 1,581,232 alleles (0.0042%); highest among the groups gnomAD compares: South Asian, 0.029%; no homozygotes.

Submissions (3):

Ambry Genetics
Classification: Uncertain significance for Inborn genetic diseases. Last evaluated: 2024-05-24. Review status: criteria provided, single submitter. Criteria: Ambry Variant Classification Scheme 2023. Collection method: clinical testing. Allele origin: germline.

Labcorp Genetics (formerly Invitae), Labcorp
Classification: Uncertain significance for Autosomal recessive limb-girdle muscular dystrophy type 2Q; Epidermolysis bullosa simplex, Ogna type; Epidermolysis bullosa simplex with nail dystrophy; Epidermolysis bullosa simplex 5C, with pyloric atresia; Epidermolysis bullosa simplex 5B, with muscular dystrophy. Last evaluated: 2024-04-06. Review status: criteria provided, single submitter. Criteria: Invitae Variant Classification Sherloc (09022015). Collection method: clinical testing. Allele origin: germline.
Comment: This sequence change replaces glutamic acid, which is acidic and polar, with lysine, which is basic and polar, at codon 1688 of the PLEC protein (p.Glu1688Lys). This variant is present in population databases (rs782564689, gnomAD 0.03%). This variant has not been reported in the literature in individuals affected with PLEC-related conditions. ClinVar contains an entry for this variant (Variation ID: 1936445). Experimental studies and prediction algorithms are not available or were not evaluated, and the functional significance of this variant is currently unknown. In summary, the available evidence is currently insufficient to determine the role of this variant in disease. Therefore, it has been classified as a Variant of Uncertain Significance.

Revvity Omics, Revvity
Classification: Uncertain significance. Last evaluated: 2020-03-11. Review status: criteria provided, single submitter. Criteria: ACMG Guidelines, 2015. Collection method: clinical testing. Allele origin: germline.